The following is an entry in ClinVar:

NM_001243279.3(ACSF3):c.862A>G (p.Asn288Asp)

Gene: ACSF3 (acyl-CoA synthetase family member 3; plus strand). Cytogenetic location: 16q24.3.
Variant type: single nucleotide variant.
Coding change: c.862A>G on transcript NM_001243279.3 (MANE Select); coding-DNA position 862, A replaced by G.
Protein change: p.Asn288Asp; replaces asparagine 288 with aspartic acid.
Molecular consequence: missense variant. On other transcripts: non-coding transcript variant (3).
Genome position (GRCh38, 1-based): chr16:89,112,131, A>G. VCF-style: chr16-89112131-A-G. GRCh37 (hg19) VCF-style: chr16-89178539-A-G.
Other names: c.862A>G, p.Asn288Asp (NM_001127214.4, NM_174917.5); c.67A>G, p.Asn23Asp (NM_001284316.2); short protein forms N23D, N288D.
Identifiers: ClinVar variation 1970798 (VCV001970798.5), dbSNP rs2151444631, ClinGen allele CA397139158.

ClinVar aggregate classification (germline): Uncertain significance (1 of 4 stars; one submission).

Conditions:
Combined malonic and methylmalonic acidemia. Identifiers: Orphanet 289504, MedGen C3280314, MONDO:0013661, OMIM 614265.

Allele frequency attached by ClinVar (database versions not stated): gnomAD exomes below 0.00001.
gnomAD v4.1: 1 of 1,097,708 alleles (0.000091%); highest among the groups gnomAD compares: Non-Finnish European, 0.00011%; no homozygotes.

Submission:

Labcorp Genetics (formerly Invitae), Labcorp
Classification: Uncertain significance for Combined malonic and methylmalonic acidemia. Last evaluated: 2022-07-12. Review status: criteria provided, single submitter. Criteria: Invitae Variant Classification Sherloc (09022015). Collection method: clinical testing. Allele origin: germline.
Comment: This variant has not been reported in the literature in individuals affected with ACSF3-related conditions. This sequence change replaces asparagine, which is neutral and polar, with aspartic acid, which is acidic and polar, at codon 288 of the ACSF3 protein (p.Asn288Asp). This variant is not present in population databases (gnomAD no frequency). Algorithms developed to predict the effect of missense changes on protein structure and function are either unavailable or do not agree on the potential impact of this missense change (SIFT: "Tolerated"; PolyPhen-2: "Possibly Damaging"; Align-GVGD: "Class C0"). In summary, the available evidence is currently insufficient to determine the role of this variant in disease. Therefore, it has been classified as a Variant of Uncertain Significance.